The following is an entry in ClinVar:

ClinVar aggregate classification (germline): Likely pathogenic (1 of 4 stars; one submission).

Conditions:
Familial thoracic aortic aneurysm and aortic dissection (TAAD). Also called: Thoracic aortic aneurysms and dissections. Identifiers: Orphanet 91387, MedGen C4707243, MONDO:0019625.
Marfan syndrome (MFS). Also called: FBN1-Related Marfan Syndrome; Marfan's syndrome; MARFAN SYNDROME, TYPE I; Marfan syndrome type 1; Marfan syndrome, classic. Identifiers: Orphanet 284963, Orphanet 558, MedGen C0024796, MONDO:0007947, OMIM 154700.

Submission:

Labcorp Genetics (formerly Invitae), Labcorp
Classification: Likely pathogenic for Marfan syndrome; Familial thoracic aortic aneurysm and aortic dissection. Last evaluated: 2019-12-15. Review status: criteria provided, single submitter. Criteria: Invitae Variant Classification Sherloc (09022015). Collection method: clinical testing. Allele origin: germline.
Comment: This variant has not been reported in the literature in individuals with FBN1-related disease. In summary, the currently available evidence indicates that the variant is pathogenic, but additional data are needed to prove that conclusively. Therefore, this variant has been classified as Likely Pathogenic. Loss-of-function variants in FBN1 are known to be pathogenic (PMID: 17657824, 19293843). This variant results in a copy number gain of the genomic region encompassing exons 3-6 of the FBN1 gene. While the exact position of this variant cannot be determined from this data, sub-genic copy number gains are generally in tandem (PMID: 25640679) and may result in an absent or disrupted protein product.

Literature cited by the submitters: PubMed 17657824; PubMed 19293843; PubMed 25640679.

NC_000015.10:g.(?_48596273)_(48613102_?)dup

Gene: FBN1 (fibrillin 1; minus strand). Cytogenetic location: 15q21.1.
Variant type: Duplication.
Identifiers: ClinVar variation 832962 (VCV000832962.5).